The following is an entry in ClinVar:

ClinVar aggregate classification (germline): Uncertain significance (1 of 4 stars; one submission).

gnomAD v4.1: 3 of 1,614,228 alleles (0.00019%); highest among the groups gnomAD compares: Non-Finnish European, 0.00025%; no homozygotes.

Submission:

GeneDx
Classification: Uncertain significance. Last evaluated: 2024-07-23. Review status: criteria provided, single submitter. Criteria: GeneDx Variant Classification Process June 2021. Collection method: clinical testing. Allele origin: germline. Affected: yes.
Comment: Not observed at significant frequency in large population cohorts (gnomAD); In silico analysis supports that this missense variant has a deleterious effect on protein structure/function; Has not been previously published as pathogenic or benign to our knowledge

NM_001395159.1(UNC79):c.1838A>G (p.Tyr613Cys)

Gene: UNC79 (unc-79 homolog, NALCN channel complex subunit; plus strand). Cytogenetic location: 14q32.12.
Variant type: single nucleotide variant.
Coding change: c.1838A>G on transcript NM_001395159.1 (MANE Select); coding-DNA position 1838, A replaced by G.
Protein change: p.Tyr613Cys; replaces tyrosine 613 with cysteine.
Molecular consequence: missense variant.
Genome position (GRCh38, 1-based): chr14:93,571,976, A>G. VCF-style: chr14-93571976-A-G. GRCh37 (hg19) VCF-style: chr14-94038322-A-G.
Other names: c.1838A>G, p.Tyr613Cys (NM_001346218.2); c.1307A>G, p.Tyr436Cys (NM_020818.5); short protein forms Y436C, Y613C.
Identifiers: ClinVar variation 3600753 (VCV003600753.1).